The following is an entry in ClinVar:

NM_002693.3(POLG):c.3105-19T>C

Gene: POLG (DNA polymerase gamma, catalytic subunit; minus strand). Cytogenetic location: 15q26.1.
Variant type: single nucleotide variant.
Coding change: c.3105-19T>C on transcript NM_002693.3 (MANE Select); 19 bases into the intron before coding-DNA position 3105, T replaced by C.
Molecular consequence: intron variant.
Genome position (GRCh38, 1-based): chr15:89,319,118, A>G on the plus strand (T>C on the coding strand, the complement: POLG is on the minus strand). VCF-style: chr15-89319118-A-G. GRCh37 (hg19) VCF-style: chr15-89862349-A-G.
Other names: c.3105-19T>C (NM_001126131.2).
Identifiers: ClinVar variation 619479 (VCV000619479.6), dbSNP rs755986798, ClinGen allele CA7724234.

ClinVar aggregate classification (germline): Likely benign. Review status: criteria provided, multiple submitters, no conflicts (2 of 4 stars). 3 submissions from 3 submitters: Likely benign (3). Last evaluated 2025-10-15.

Conditions:
Progressive sclerosing poliodystrophy (MTDPS4A). Also called: Alpers-Huttenlocher Syndrome (AHS); Alpers Syndrome; ALPERS PROGRESSIVE INFANTILE POLIODYSTROPHY; Mitochondrial DNA depletion syndrome 4A (Alpers type); ALPERS DIFFUSE DEGENERATION OF CEREBRAL GRAY MATTER WITH HEPATIC CIRRHOSIS; Alpers-Huttenlocher Syndrome. Identifiers: Orphanet 726, MedGen C0205710, MONDO:0008758, OMIM 203700.

Allele frequency attached by ClinVar (database versions not stated): TOPMed below 0.00001; ExAC 0.00001; gnomAD exomes 0.00001 and below 0.00001.

Submissions (3):

Labcorp Genetics (formerly Invitae), Labcorp
Classification: Likely benign for Progressive sclerosing poliodystrophy. Last evaluated: 2025-10-15. Review status: criteria provided, single submitter. Criteria: Invitae Variant Classification Sherloc (09022015). Collection method: clinical testing. Allele origin: germline.

Wong Mito Lab, Molecular and Human Genetics, Baylor College of Medicine
Classification: Likely benign for Progressive sclerosing poliodystrophy. Last evaluated: 2018-10-01. Review status: criteria provided, single submitter. Criteria: ACMG Guidelines, 2015. Collection method: clinical testing. Allele origin: germline.
Comment: The NM_002693.2:c.3105-19T>C (NP_002684.1:p.=) [GRCH38: NC_000015.10:g.89319118A>G] variant in POLG gene is interpretated to be a Likely Benign based on ACMG guidelines (PMID: 25741868). This variant meets the following evidence codes reported in the ACMG-guideline. BS1:The minor allele frequency of this allele is high for Mitochondrial DNA depletion syndrome 4A (Alpers type). BP4:Computational evidence/predictors indicate no impact on the POLG structure, function, or protein-protein interaction. BP6:Reputable source(s) without shared data suggest the variant is benign. Based on the evidence criteria codes applied, the variant is suggested to be Likely Benign.

GeneDx
Classification: Likely benign. Last evaluated: 2018-05-30. Review status: criteria provided, single submitter. Criteria: GeneDx Variant Classification (06012015). Collection method: clinical testing. Allele origin: germline. Affected: yes.
Comment: This variant is considered likely benign or benign based on one or more of the following criteria: it is a conservative change, it occurs at a poorly conserved position in the protein, it is predicted to be benign by multiple in silico algorithms, and/or has population frequency not consistent with disease.